The following is an entry in ClinVar:

NM_014003.4(DHX38):c.3488G>A (p.Arg1163His)

Gene: DHX38 (DEAH-box helicase 38; plus strand). Cytogenetic location: 16q22.2.
Variant type: single nucleotide variant.
Coding change: c.3488G>A on transcript NM_014003.4 (MANE Select); coding-DNA position 3488, G replaced by A.
Protein change: p.Arg1163His; replaces arginine 1163 with histidine.
Molecular consequence: missense variant.
Genome position (GRCh38, 1-based): chr16:72,110,966, G>A. VCF-style: chr16-72110966-G-A. GRCh37 (hg19) VCF-style: chr16-72144865-G-A.
Other names: short protein forms R1163H.
Identifiers: ClinVar variation 1947262 (VCV001947262.4), dbSNP rs1311736252, ClinGen allele CA396718266.

ClinVar aggregate classification (germline): Uncertain significance (1 of 4 stars; one submission).

Allele frequency attached by ClinVar (database versions not stated): gnomAD 0.00001; gnomAD exomes 0.00001; TOPMed 0.00001.
gnomAD v4.1: 20 of 1,587,758 alleles (0.0013%); highest among the groups gnomAD compares: East Asian, 0.0023%; no homozygotes.

Submission:

Labcorp Genetics (formerly Invitae), Labcorp
Classification: Uncertain significance. Last evaluated: 2024-10-16. Review status: criteria provided, single submitter. Criteria: Invitae Variant Classification Sherloc (09022015). Collection method: clinical testing. Allele origin: germline.
Comment: This sequence change replaces arginine, which is basic and polar, with histidine, which is basic and polar, at codon 1163 of the DHX38 protein (p.Arg1163His). The frequency data for this variant in the population databases is considered unreliable, as metrics indicate poor data quality at this position in the gnomAD database. This variant has not been reported in the literature in individuals affected with DHX38-related conditions. ClinVar contains an entry for this variant (Variation ID: 1947262). Invitae Evidence Modeling of protein sequence and biophysical properties (such as structural, functional, and spatial information, amino acid conservation, physicochemical variation, residue mobility, and thermodynamic stability) indicates that this missense variant is not expected to disrupt DHX38 protein function with a negative predictive value of 80%. In summary, the available evidence is currently insufficient to determine the role of this variant in disease. Therefore, it has been classified as a Variant of Uncertain Significance.